The following is an entry in ClinVar:

ClinVar aggregate classification (germline): Conflicting classifications of pathogenicity. Review status: reviewed by expert panel (3 of 4 stars). 6 submissions from 6 submitters: Likely pathogenic (1); Uncertain significance (1). 4 of the submissions do not count toward it. Last evaluated 2025-11-17.

Conditions:
RYR1-related myopathy. Identifiers: Orphanet 98742, MedGen CN305348, MONDO:0100150.
Malignant hyperthermia, susceptibility to, 1 (MHS1). Also called: Anesthesia related hyperthermia; Malignant hyperpyrexia; Fulminating hyperpyrexia; Pharmacogenic myopathy; RYR1-Related Malignant Hyperthermia Susceptibility; Malignant hyperthermia suceptibility 1. Identifiers: Orphanet 423, MedGen C2930980, MONDO:0007783, OMIM 145600.
King Denborough syndrome (KDS). Identifiers: MedGen C1840365, MONDO:0020485, OMIM 619542.
Central core myopathy (CMYO1A). Also called: CONGENITAL MYOPATHY 1A, AUTOSOMAL DOMINANT, WITH SUSCEPTIBILITY TO MALIGNANT HYPERTHERMIA; Central core disease; Myopathy, central fibrillar. Identifiers: Orphanet 597, MedGen C5830701, MONDO:0007294, OMIM 117000.
Congenital multicore myopathy with external ophthalmoplegia (CMYO1B). Also called: Congenital myopathy 1B, autosomal recessive; Minicore myopathy; Minicore myopathy with external ophthalmoplegia; MULTIMINICORE DISEASE WITH EXTERNAL OPHTHALMOPLEGIA; MULTICORE MYOPATHY. Identifiers: Orphanet 598, Orphanet 98905, MedGen C1850674, MONDO:0009712, OMIM 255320, HP:0003789.

Submissions (6):

ClinGen Congenital Myopathies Variant Curation Expert Panel, ClinGen
Classification: Likely pathogenic for RYR1-related myopathy. Last evaluated: 2025-11-17. Review status: reviewed by expert panel. Criteria: ClinGen CongenMyopathy ACMG Specifications RYR1 AD V2.0.0. Collection method: curation. Allele origin: germline. Inheritance: Autosomal dominant inheritance.
Comment: The NM_000540.3:c.7522C>G variant in RYR1 is a missense variant predicted to cause substitution of arginine by glycine at amino acid 2508 (p.Arg2508Gly). This variant is absent from gnomAD v4.1 (PM2_Supporting). The computational predictor REVEL gives a score of 0.844, which is above the threshold of 0.7, evidence that correlates with impact to RYR1 function (PP3). Two different missense variants (c.7522C>T (p.Arg2508Cys) ClinVar Variation ID: 65981; c.7523G>A (p.Arg2508His) ClinVar variation ID: 133207), in the same codon have been classified as likely pathogenic for Malignant hyperthermia by the ClinGen Malignant Hyperthermia Susceptibility Variant Curation Expert Panel (PM5_Moderate). This variant has been reported in 2 probands meeting 1 PP4 feature each (presence of central cores on muscle biopsy (0.25 points each) (PS4_Moderate (0.5 points); PMIDs: 16621918, 20142353). Dose-dependent calcium release in HEK293 and patient derived lymphoblastoid B cells showed increased resting cytoplasmic calcium levels as well as lower concentrations of caffeine and 4-chloro-m-cresol inducing calcium release compared with controls, reflecting an alteration of intracellular Ca2+ homeostasis, indicating that this variant impacts protein function (PS3_Moderate; PMIDs: 26381711, 20142353). In summary, this variant meets the criteria to be classified as likely pathogenic for autosomal dominant RYR1-related myopathy based on the ACMG/AMP criteria applied, as specified by the ClinGen Congenital Myopathies: PM2_Supporting, PP3, PS4_Moderate, PS3_Moderate, PM5_Moderate (ClinGen Congenital Myopathies VCEP specifications version 2.0.0; 11/17/2025)

ClinGen Malignant Hyperthermia Susceptibility Variant Curation Expert Panel, ClinGen
Classification: Uncertain significance for Malignant hyperthermia, susceptibility to, 1. Last evaluated: 2023-05-20. Review status: reviewed by expert panel. Criteria: ClinGen MHS ACMG Specifications V2. Collection method: curation. Allele origin: germline. Inheritance: Autosomal dominant inheritance.
Comment: The ClinGen RYR1-MHS variant curation expert panel is focused on assessing variants in RYR1 for pathogenicity as related to malignant hyperthermia susceptibility (MHS) inherited in an autosomal dominant pattern. Variants in RYR1 can also cause other myopathies inherited in an autosomal dominant pattern or in an autosomal recessive pattern. Some of these disorders may predispose individuals to malignant hyperthermia. RYR1 variants may also contribute to a malignant hyperthermia reaction in combination with other genetic and non-genetic factors and the clinician needs to consider such factors in making management decisions. This sequence variant predicts a substitution of Arginine with Glycine at codon 2508 of the RYR1 protein, p.(Arg2508Gly). This variant was not present in a large population database (gnomAD) at the time this variant was interpreted. This variant has been reported in individuals with a personal or family history of an MH episode or central core disease but without sufficient information to consider the reports for informing PS4 in relation to MHS inherited in an autosomal dominant pattern (PMID:16621918, PMID:16732084, PMID:19346234). Functional studies in HEK293 cells show an increased sensitivity to RYR1 agonists, PS3_Moderate, (PMID:26381711). This variant does not reside in a hotspot for pathogenic variants that contribute to MHS. Another variant that has been assessed as likely pathogenic occurs at this codon, p.(Arg2508His), PM5_Supporting (PMID:30236257). A REVEL score of 0.844 supports neither a pathogenic nor a benign status for this variant. This variant has been classified as a Variant of Unknown Significance. Criteria implemented: PS3_Moderate, PM5_Supporting.

GeneDx
Classification: Pathogenic. Last evaluated: 2022-04-19. Review status: criteria provided, single submitter. Criteria: GeneDx Variant Classification Process June 2021. Collection method: clinical testing. Allele origin: germline. Affected: yes. Not counted in ClinVar's aggregate classification.
Comment: Published functional studies demonstrate a damaging effect on calcium homeostasis (Vukcevic et al., 2010; Miyoshi et al., 2015); Not observed at significant frequency in large population cohorts (gnomAD); In silico analysis supports that this missense variant has a deleterious effect on protein structure/function; This variant is associated with the following publications: (PMID: 19346234, 20142353, 16732084, 25989378, 30499100, 32381029, 31301762, 16917943, 26381711, 16621918)

PreventionGenetics, part of Exact Sciences
Classification: Uncertain significance. Last evaluated: 2020-05-04. Review status: criteria provided, single submitter. Criteria: ACMG Guidelines, 2015. Collection method: clinical testing. Allele origin: germline. Not counted in ClinVar's aggregate classification.

Juno Genomics, Hangzhou Juno Genomics, Inc
Classification: Likely pathogenic for Malignant hyperthermia, susceptibility to, 1; Central core myopathy; Congenital multicore myopathy with external ophthalmoplegia; King Denborough syndrome. Review status: criteria provided, single submitter. Criteria: ACMG Guidelines, 2015. Collection method: clinical testing. Allele origin: germline. Affected: yes. Not counted in ClinVar's aggregate classification.
Comment: Absent from controls (or at extremely low frequency if recessive) in Genome Aggregation Database.;Multiple lines of computational evidence support a deleterious effect on the gene or gene product.;Well-established in vitro or in vivo functional studies supportive of a damaging effect on the gene or gene product.;The prevalence of the variant in affected individuals is significantly increased compared to the prevalence in controls.;Novel missense change at an amino acid residue where a different missense change determined to be pathogenic has been seen before.

RYR1 database
No classification provided. Review status: no classification provided. Collection method: not provided. Allele origin: unknown. Not counted in ClinVar's aggregate classification.

Literature cited by the submitters: PubMed 26381711 (cited by ClinGen Congenital Myopathies Variant Curation Expert Panel, ClinGen); PubMed 20142353 (cited by ClinGen Congenital Myopathies Variant Curation Expert Panel, ClinGen).

NM_000540.3(RYR1):c.7522C>G (p.Arg2508Gly)

Gene: RYR1 (ryanodine receptor 1; plus strand). Cytogenetic location: 19q13.2.
Variant type: single nucleotide variant.
Coding change: c.7522C>G on transcript NM_000540.3 (MANE Select); coding-DNA position 7522, C replaced by G.
Protein change: p.Arg2508Gly; replaces arginine 2508 with glycine.
Molecular consequence: missense variant.
Genome position (GRCh38, 1-based): chr19:38,500,898, C>G. VCF-style: chr19-38500898-C-G. GRCh37 (hg19) VCF-style: chr19-38991538-C-G.
Other names: NM_000540.3(RYR1):c.7522C>G; c.7522C>G, p.Arg2508Gly (NM_001042723.2); short protein forms R2508G.
Identifiers: ClinVar variation 133206 (VCV000133206.10), dbSNP rs118192178, ClinGen allele CA024816.